The following is an entry in ClinVar:

ClinVar aggregate classification (germline): Uncertain significance (1 of 4 stars; one submission).

Conditions:
Inborn genetic diseases. Identifiers: MedGen C0950123, MeSH D030342.

gnomAD v4.1: 1 of 1,613,460 alleles (0.000062%); highest among the groups gnomAD compares: Non-Finnish European, 0.000085%; no homozygotes.

Submission:

Ambry Genetics
Classification: Uncertain significance for Inborn genetic diseases. Last evaluated: 2026-09-14. Review status: criteria provided, single submitter. Criteria: Ambry Variant Classification Scheme 2023. Collection method: clinical testing. Allele origin: germline.
Comment: The c.1580G>A (p.S527N) alteration is located in exon 6 (coding exon 6) of the HCN1 gene. This alteration results from a G to A substitution at nucleotide position 1580, causing the serine (S) at amino acid position 527 to be replaced by an asparagine (N). This variant was not reported in population-based cohorts in the Genome Aggregation Database (gnomAD). This amino acid position is not well conserved in available vertebrate species. This missense variant is located in a region that has a low rate of benign missense variation (Lek, 2016; Firth, 2009). This alteration is predicted to be tolerated by in silico analysis. Based on insufficient or conflicting evidence, the clinical significance of this alteration remains unclear.

NM_021072.4(HCN1):c.1580G>A (p.Ser527Asn)

Gene: HCN1 (hyperpolarization activated cyclic nucleotide gated potassium channel 1; minus strand). Cytogenetic location: 5p12.
Variant type: single nucleotide variant.
Coding change: c.1580G>A on transcript NM_021072.4 (MANE Select); coding-DNA position 1580, G replaced by A.
Protein change: p.Ser527Asn; replaces serine 527 with asparagine.
Molecular consequence: missense variant.
Genome position (GRCh38, 1-based): chr5:45,303,637, C>T on the plus strand (G>A on the coding strand, the complement: HCN1 is on the minus strand). VCF-style: chr5-45303637-C-T. GRCh37 (hg19) VCF-style: chr5-45303739-C-T.
Other names: short protein forms S527N.
Identifiers: ClinVar variation 5022611 (VCV005022611.1).